The following is an entry in ClinVar:

ClinVar aggregate classification (germline): Conflicting classifications of pathogenicity. Review status: criteria provided, conflicting classifications (1 of 4 stars). 7 submissions from 7 submitters: Uncertain significance (4); Likely benign (1). 2 of the submissions do not count toward it. Last evaluated 2026-01-19.

Conditions:
EBV-positive nodal T- and NK-cell lymphoma.
Glycogen storage disease, type V (GSD5). Also called: McArdle type glycogen storage disease; MCARDLE DISEASE; MUSCLE GLYCOGEN PHOSPHORYLASE DEFICIENCY; MYOPHOSPHORYLASE DEFICIENCY; PYGM DEFICIENCY. Identifiers: Orphanet 368, MedGen C0017924, MONDO:0009293, OMIM 232600.

Allele frequency attached by ClinVar (database versions not stated): TOPMed 0.00037; ESP Exome Variant Server 0.00054; 1000 Genomes Project 0.00060; 1000 Genomes Project 30x 0.00078.

Submissions (7):

Labcorp Genetics (formerly Invitae), Labcorp
Classification: Likely benign for Glycogen storage disease, type V. Last evaluated: 2026-01-19. Review status: criteria provided, single submitter. Criteria: Invitae Variant Classification Sherloc (09022015). Collection method: clinical testing. Allele origin: germline.

Blueprint Genetics
Classification: Uncertain significance. Last evaluated: 2024-11-12. Review status: criteria provided, single submitter. Criteria: ACMG Guidelines, 2015. Collection method: clinical testing. Allele origin: germline.

Fulgent Genetics
Classification: Uncertain significance for Glycogen storage disease, type V. Last evaluated: 2024-06-19. Review status: criteria provided, single submitter. Criteria: ACMG Guidelines, 2015. Collection method: clinical testing. Allele origin: germline.

Revvity Omics, Revvity
Classification: Uncertain significance for Glycogen storage disease, type V. Last evaluated: 2023-03-13. Review status: criteria provided, single submitter. Criteria: ACMG Guidelines, 2015. Collection method: clinical testing. Allele origin: germline.

GeneDx
Classification: Uncertain significance. Last evaluated: 2017-07-26. Review status: criteria provided, single submitter. Criteria: GeneDx Variant Classification (06012015). Collection method: clinical testing. Allele origin: germline. Affected: yes.
Comment: The G173R variant in the PYGM gene has not been reported previously as a pathogenic variant, nor as a benign variant, to our knowledge. The G173R variant is observed in 17/10398 (0.16%) alleles from individuals of African background in the ExAC dataset (Lek et al., 2016). The G173R variant is a non-conservative amino acid substitution, which is likely to impact secondary protein structure as these residues differ in polarity, charge, size and/or other properties. This substitution occurs at a position that is conserved in mammals. In silico analysis is inconsistent in its predictions as to whether or not the variant is damaging to the protein structure/function. We interpret G173R as a variant of uncertain significance.

Natera, Inc.
Classification: Uncertain significance for Glycogen storage disease V. Last evaluated: 2019-10-28. Review status: no assertion criteria provided. Collection method: clinical testing. Allele origin: germline. Not counted in ClinVar's aggregate classification.

Department of Clinical Pathology, School of Medicine, Fujita Health University
Classification: Likely benign for EBV-positive nodal T- and NK-cell lymphoma. Review status: no assertion criteria provided. Collection method: research. Allele origin: unknown. Affected: yes. Not counted in ClinVar's aggregate classification.

NM_005609.4(PYGM):c.517G>A (p.Gly173Arg)

Gene: PYGM (glycogen phosphorylase, muscle associated; minus strand). Cytogenetic location: 11q13.1.
Variant type: single nucleotide variant.
Coding change: c.517G>A on transcript NM_005609.4 (MANE Select); coding-DNA position 517, G replaced by A.
Protein change: p.Gly173Arg; replaces glycine 173 with arginine.
Molecular consequence: missense variant.
Genome position (GRCh38, 1-based): chr11:64,758,257, C>T on the plus strand (G>A on the coding strand, the complement: PYGM is on the minus strand). VCF-style: chr11-64758257-C-T. GRCh37 (hg19) VCF-style: chr11-64525729-C-T.
Other names: c.253G>A, p.Gly85Arg (NM_001164716.1); short protein forms G173R, G85R.
Identifiers: ClinVar variation 449640 (VCV000449640.19), dbSNP rs141265458, ClinGen allele CA6080233.